The following is an entry in ClinVar:

ClinVar aggregate classification (germline): Uncertain significance (1 of 4 stars; one submission).

Conditions:
Inborn genetic diseases. Identifiers: MedGen C0950123, MeSH D030342.

gnomAD v4.1: 1 of 1,612,518 alleles (0.000062%); no homozygotes.

Submission:

Ambry Genetics
Classification: Uncertain significance for Inborn genetic diseases. Last evaluated: 2025-03-27. Review status: criteria provided, single submitter. Criteria: Ambry Variant Classification Scheme 2023. Collection method: clinical testing. Allele origin: germline.
Comment: The p.S417P variant (also known as c.1249T>C), located in coding exon 6 of the SH2B3 gene, results from a T to C substitution at nucleotide position 1249. The serine at codon 417 is replaced by proline, an amino acid with similar properties. This amino acid position is conserved. In addition, the in silico prediction for this alteration is inconclusive. Based on the available evidence, the clinical significance of this variant remains unclear.

NM_005475.3(SH2B3):c.1249T>C (p.Ser417Pro)

Gene: SH2B3 (SH2B adaptor protein 3; plus strand). Cytogenetic location: 12q24.12.
Variant type: single nucleotide variant.
Coding change: c.1249T>C on transcript NM_005475.3 (MANE Select); coding-DNA position 1249, T replaced by C.
Protein change: p.Ser417Pro; replaces serine 417 with proline.
Molecular consequence: missense variant.
Genome position (GRCh38, 1-based): chr12:111,447,668, T>C. VCF-style: chr12-111447668-T-C. GRCh37 (hg19) VCF-style: chr12-111885472-T-C.
Other names: c.643T>C, p.Ser215Pro (NM_001291424.1); short protein forms S215P, S417P.
Identifiers: ClinVar variation 3953390 (VCV003953390.1).